The following is an entry in ClinVar:

ClinVar aggregate classification (germline): Conflicting classifications of pathogenicity. Review status: criteria provided, conflicting classifications (1 of 4 stars). 2 submissions from 2 submitters: Uncertain significance (1); Likely benign (1). Last evaluated 2025-05-08.

Conditions:
TMEM67-related disorder. Also called: TMEM67-related condition; TMEM67-related disorders. Identifiers: MedGen CN239423.
Joubert syndrome. Also called: Familial aplasia of the vermis; JOUBERT-BOLTSHAUSER SYNDROME. Identifiers: Orphanet 475, MedGen C5979921, MONDO:0018772.
Meckel-Gruber syndrome. Also called: Dysencephalia splachnocystica; DYSENCEPHALIA SPLANCHNOCYSTICA; GRUBER SYNDROME. Identifiers: Orphanet 564, MedGen C0265215, MONDO:0018921.

Allele frequency attached by ClinVar (database versions not stated): gnomAD 0.00006 and 0.00007; gnomAD exomes 0.00006 and 0.00007; TOPMed 0.00006; ExAC 0.00008; 1000 Genomes Project 30x 0.00016; 1000 Genomes Project 0.00020.
gnomAD v4.1: 106 of 1,612,704 alleles (0.0066%); highest among the groups gnomAD compares: South Asian, 0.02%; no homozygotes.

Submissions (2):

PreventionGenetics, part of Exact Sciences
Classification: Likely benign for TMEM67-related condition. Last evaluated: 2025-05-08. Review status: criteria provided, single submitter. Criteria: ACMG Guidelines, 2015. Collection method: clinical testing. Allele origin: germline.
Comment: This variant is classified as likely benign based on ACMG/AMP sequence variant interpretation guidelines (Richards et al. 2015 PMID: 25741868, with internal and published modifications).

Labcorp Genetics (formerly Invitae), Labcorp
Classification: Uncertain significance for Joubert syndrome; Meckel-Gruber syndrome. Last evaluated: 2022-09-01. Review status: criteria provided, single submitter. Criteria: Invitae Variant Classification Sherloc (09022015). Collection method: clinical testing. Allele origin: germline.
Comment: This sequence change falls in intron 20 of the TMEM67 gene. It does not directly change the encoded amino acid sequence of the TMEM67 protein. It affects a nucleotide within the consensus splice site. This variant is present in population databases (rs545189546, gnomAD 0.02%). This variant has not been reported in the literature in individuals affected with TMEM67-related conditions. ClinVar contains an entry for this variant (Variation ID: 1501173). Variants that disrupt the consensus splice site are a relatively common cause of aberrant splicing (PMID: 17576681, 9536098). Algorithms developed to predict the effect of sequence changes on RNA splicing suggest that this variant may create or strengthen a splice site. In summary, the available evidence is currently insufficient to determine the role of this variant in disease. Therefore, it has been classified as a Variant of Uncertain Significance.

Literature cited by the submitters: PubMed 17576681 (cited by Labcorp Genetics (formerly Invitae), Labcorp); PubMed 9536098 (cited by Labcorp Genetics (formerly Invitae), Labcorp).

NM_153704.6(TMEM67):c.2100+5A>G

Gene: TMEM67 (transmembrane protein 67; plus strand). Cytogenetic location: 8q22.1.
Variant type: single nucleotide variant.
Coding change: c.2100+5A>G on transcript NM_153704.6 (MANE Select); 5 bases into the intron after coding-DNA position 2100, A replaced by G.
Molecular consequence: intron variant.
Genome position (GRCh38, 1-based): chr8:93,797,475, A>G. VCF-style: chr8-93797475-A-G. GRCh37 (hg19) VCF-style: chr8-94809703-A-G.
Other names: c.2100+5A>G (NM_153704.5); c.1857+5A>G (NM_001142301.1).
Identifiers: ClinVar variation 1501173 (VCV001501173.4), dbSNP rs545189546, ClinGen allele CA4808191.